The following is an entry in ClinVar:

NM_144672.4(OTOA):c.782T>G (p.Leu261Trp)

Gene: OTOA (otoancorin). Cytogenetic location: 16p12.2.
Variant type: single nucleotide variant.
Coding change: c.782T>G on transcript NM_144672.4 (MANE Select); coding-DNA position 782, T replaced by G.
Protein change: p.Leu261Trp; replaces leucine 261 with tryptophan.
Molecular consequence: missense variant.
Genome position (GRCh38, 1-based): chr16:21,697,817, T>G. VCF-style: chr16-21697817-T-G. GRCh37 (hg19) VCF-style: chr16-21709138-T-G.
Other names: c.545T>G, p.Leu182Trp (NM_001161683.2); short protein forms L182W, L261W.
Identifiers: ClinVar variation 3601514 (VCV003601514.3).

ClinVar aggregate classification (germline): Conflicting classifications of pathogenicity. Review status: criteria provided, conflicting classifications (1 of 4 stars). 2 submissions from 2 submitters: Likely pathogenic (1); Uncertain significance (1). Last evaluated 2026-05-01.

Conditions:
Autosomal recessive nonsyndromic hearing loss 22. Identifiers: Orphanet 90636, MedGen C1846896, MONDO:0011762, OMIM 607039.

gnomAD v4.1: 5 of 1,614,048 alleles (0.00031%); highest among the groups gnomAD compares: South Asian, 0.0044%; no homozygotes.

Submissions (2):

CeGaT Center for Human Genetics Tuebingen
Classification: Uncertain significance. Last evaluated: 2026-05-01. Review status: criteria provided, single submitter. Criteria: CeGaT Center For Human Genetics Tuebingen Variant Classification Criteria Version 2. Collection method: clinical testing. Allele origin: germline. Affected: yes. Observed: 1 variant allele.
Comment: OTOA: PM2, BP4

Institute of Rare Diseases, West China Hospital, Sichuan University
Classification: Likely pathogenic for Autosomal recessive nonsyndromic hearing loss 22. Last evaluated: 2025-01-09. Review status: criteria provided, single submitter. Criteria: ClinGen HL ACMG Specifications v1. Collection method: research. Allele origin: germline. Affected: yes.
Comment: PM3_Strong;PM2_Supporting;PP3